The following is an entry in ClinVar:

ClinVar aggregate classification (germline): Uncertain significance (1 of 4 stars; one submission).

gnomAD v4.1: 5 of 1,600,302 alleles (0.00031%); highest among the groups gnomAD compares: Non-Finnish European, 0.00043%; no homozygotes.

Submission:

GeneDx
Classification: Uncertain significance. Last evaluated: 2023-06-21. Review status: criteria provided, single submitter. Criteria: GeneDx Variant Classification Process June 2021. Collection method: clinical testing. Allele origin: germline. Affected: yes.
Comment: In silico analysis supports that this missense variant does not alter protein structure/function; Has not been previously published as pathogenic or benign to our knowledge

NM_001376.5(DYNC1H1):c.145C>T (p.Pro49Ser)

Gene: DYNC1H1 (dynein cytoplasmic 1 heavy chain 1; plus strand). Cytogenetic location: 14q32.31.
Variant type: single nucleotide variant.
Coding change: c.145C>T on transcript NM_001376.5 (MANE Select); coding-DNA position 145, C replaced by T.
Protein change: p.Pro49Ser; replaces proline 49 with serine.
Molecular consequence: missense variant.
Genome position (GRCh38, 1-based): chr14:101,964,836, C>T. VCF-style: chr14-101964836-C-T. GRCh37 (hg19) VCF-style: chr14-102431173-C-T.
Other names: short protein forms P49S.
Identifiers: ClinVar variation 3359946 (VCV003359946.1).
Genomic context (GRCh38, chr14:101,964,836, plus strand): 5'-GTGCTGCAGAAGCACCTGCGCAAGCTGGTGCCGCTGCTGCTGGAGGACGGCGGCGAGGCG[C>T]CGGCCGCGCTGGAGGCGGCGCTGGAGGAGAAGAGCGCCCTGGAGCAGATGCGCAAGTTCC-3'
Protein context (NP_001367.2, residues 39-59): PLLLEDGGEA[Pro49Ser]AALEAALEEK